The following is an entry in ClinVar:

NM_006031.6(PCNT):c.5473C>T (p.Gln1825Ter)

Gene: PCNT (pericentrin; plus strand). Cytogenetic location: 21q22.3.
Variant type: single nucleotide variant.
Coding change: c.5473C>T on transcript NM_006031.6 (MANE Select); coding-DNA position 5473, C replaced by T.
Protein change: p.Gln1825Ter; replaces glutamine 1825 with a stop codon.
Molecular consequence: nonsense.
Genome position (GRCh38, 1-based): chr21:46,411,546, C>T. VCF-style: chr21-46411546-C-T. GRCh37 (hg19) VCF-style: chr21-47831460-C-T.
Other names: c.5473C>T (NM_006031.5); c.5119C>T, p.Gln1707Ter (NM_001315529.2); short protein forms Q1707*, Q1825*.
Identifiers: ClinVar variation 2776834 (VCV002776834.4), dbSNP rs908769563, ClinGen allele CA321998004.

ClinVar aggregate classification (germline): Pathogenic. Review status: criteria provided, single submitter (1 of 4 stars). 2 submissions from 2 submitters: Pathogenic (1). 1 of the submissions does not count toward it. Last evaluated 2023-12-01.

Conditions:
PCNT-related disorder. Also called: PCNT-related condition.

Allele frequency attached by ClinVar (database versions not stated): TOPMed below 0.00001.

Submissions (2):

Labcorp Genetics (formerly Invitae), Labcorp
Classification: Pathogenic. Last evaluated: 2023-12-01. Review status: criteria provided, single submitter. Criteria: Invitae Variant Classification Sherloc (09022015). Collection method: clinical testing. Allele origin: germline.
Comment: This sequence change creates a premature translational stop signal (p.Gln1825*) in the PCNT gene. It is expected to result in an absent or disrupted protein product. Loss-of-function variants in PCNT are known to be pathogenic (PMID: 18174396, 22821869). This variant is not present in population databases (gnomAD no frequency). This variant has not been reported in the literature in individuals affected with PCNT-related conditions. For these reasons, this variant has been classified as Pathogenic.

PreventionGenetics, part of Exact Sciences
Classification: Likely pathogenic for PCNT-related condition. Last evaluated: 2024-06-08. Review status: no assertion criteria provided. Collection method: clinical testing. Allele origin: germline. Not counted in ClinVar's aggregate classification.
Comment: The PCNT c.5473C>T variant is predicted to result in premature protein termination (p.Gln1825*). This variant has not been reported in the literature or in a large population database, indicating this variant is rare. Loss-of-function variants in PCNT, like this nonsense change, are expected to be pathogenic. This variant is interpreted as likely pathogenic.

Literature cited by the submitters: PubMed 18174396 (cited by Labcorp Genetics (formerly Invitae), Labcorp); PubMed 22821869 (cited by Labcorp Genetics (formerly Invitae), Labcorp).